The following is an entry in ClinVar:

NM_000218.3(KCNQ1):c.170G>A (p.Gly57Asp)

Gene: KCNQ1 (potassium voltage-gated channel subfamily Q member 1; plus strand). Cytogenetic location: 11p15.5.
Variant type: single nucleotide variant.
Coding change: c.170G>A on transcript NM_000218.3 (MANE Select); coding-DNA position 170, G replaced by A.
Protein change: p.Gly57Asp; replaces glycine 57 with aspartic acid.
Molecular consequence: missense variant.
Genome position (GRCh38, 1-based): chr11:2,445,268, G>A. VCF-style: chr11-2445268-G-A. GRCh37 (hg19) VCF-style: chr11-2466498-G-A.
Other names: short protein forms G57D.
Identifiers: ClinVar variation 1057004 (VCV001057004.10), dbSNP rs199473445, ClinGen allele CA379116468.

ClinVar aggregate classification (germline): Uncertain significance (1 of 4 stars; one submission).

Conditions:
Long QT syndrome (LQTS). Identifiers: MedGen C0023976, MeSH D008133, MONDO:0002442. Disease mechanism: loss of function. Inheritance: Various modes of inheritance.

Allele frequency attached by ClinVar (database versions not stated): gnomAD exomes below 0.00001.

Submission:

Labcorp Genetics (formerly Invitae), Labcorp
Classification: Uncertain significance for Long QT syndrome. Last evaluated: 2023-05-09. Review status: criteria provided, single submitter. Criteria: Invitae Variant Classification Sherloc (09022015). Collection method: clinical testing. Allele origin: germline.
Comment: In summary, the available evidence is currently insufficient to determine the role of this variant in disease. Therefore, it has been classified as a Variant of Uncertain Significance. This sequence change replaces glycine, which is neutral and non-polar, with aspartic acid, which is acidic and polar, at codon 57 of the KCNQ1 protein (p.Gly57Asp). The frequency data for this variant in the population databases is considered unreliable, as metrics indicate insufficient coverage at this position in the gnomAD database. This variant has not been reported in the literature in individuals affected with KCNQ1-related conditions. ClinVar contains an entry for this variant (Variation ID: 1057004). Advanced modeling of protein sequence and biophysical properties (such as structural, functional, and spatial information, amino acid conservation, physicochemical variation, residue mobility, and thermodynamic stability) performed at Invitae indicates that this missense variant is not expected to disrupt KCNQ1 protein function.